The following is an entry in ClinVar:

NM_001166114.2(PNPLA6):c.1321C>T (p.Gln441Ter)

Gene: PNPLA6 (patatin like domain 6, lysophospholipase; plus strand). Cytogenetic location: 19p13.2.
Variant type: single nucleotide variant.
Coding change: c.1321C>T on transcript NM_001166114.2 (MANE Select); coding-DNA position 1321, C replaced by T.
Protein change: p.Gln441Ter; replaces glutamine 441 with a stop codon.
Molecular consequence: nonsense.
Genome position (GRCh38, 1-based): chr19:7,542,629, C>T. VCF-style: chr19-7542629-C-T. GRCh37 (hg19) VCF-style: chr19-7607515-C-T.
Other names: c.1348C>T, p.Gln450Ter (NM_001166111.2); c.1204C>T, p.Gln402Ter (NM_001166112.2, NM_001166113.1, NM_006702.5); short protein forms Q450*, Q402*, Q441*.
Identifiers: ClinVar variation 966263 (VCV000966263.7), dbSNP rs2023204790, ClinGen allele CA403111860.

ClinVar aggregate classification (germline): Pathogenic (1 of 4 stars; one submission).

Conditions:
Hereditary spastic paraplegia 39 (SPG39). Also called: SPASTIC PARAPLEGIA 39, AUTOSOMAL RECESSIVE; Spastic Paraplegia Type 39 (SPG39). Identifiers: Orphanet 139480, MedGen C2677586, MONDO:0012787, OMIM 612020.

Submission:

Labcorp Genetics (formerly Invitae), Labcorp
Classification: Pathogenic for Hereditary spastic paraplegia 39. Last evaluated: 2022-11-01. Review status: criteria provided, single submitter. Criteria: Invitae Variant Classification Sherloc (09022015). Collection method: clinical testing. Allele origin: germline.
Comment: For these reasons, this variant has been classified as Pathogenic. ClinVar contains an entry for this variant (Variation ID: 966263). This variant has not been reported in the literature in individuals affected with PNPLA6-related conditions. This variant is not present in population databases (gnomAD no frequency). This sequence change creates a premature translational stop signal (p.Gln402*) in the PNPLA6 gene. It is expected to result in an absent or disrupted protein product. Loss-of-function variants in PNPLA6 are known to be pathogenic (PMID: 24355708).

Literature cited by the submitters: PubMed 24355708.